The following is an entry in ClinVar:

NM_001289125.3(IFNAR2):c.27C>G (p.Ile9Met)

Genes: IFNAR2 (interferon alpha and beta receptor subunit 2; plus strand), IFNAR2-IL10RB (IFNAR2-IL10RB readthrough; plus strand). Cytogenetic location: 21q22.11.
Variant type: single nucleotide variant.
Coding change: c.27C>G on transcript NM_001289125.3 (MANE Select); coding-DNA position 27, C replaced by G.
Protein change: p.Ile9Met; replaces isoleucine 9 with methionine.
Molecular consequence: missense variant.
Genome position (GRCh38, 1-based): chr21:33,241,949, C>G. VCF-style: chr21-33241949-C-G. GRCh37 (hg19) VCF-style: chr21-34614254-C-G.
Other names: c.27C>G, p.Ile9Met (NM_000874.5, NM_001289126.2, NM_001289128.2 and 4 more transcripts); c.27C>G (NM_207585.1); short protein forms I9M.
Identifiers: ClinVar variation 1444810 (VCV001444810.7), dbSNP rs750264158, ClinGen allele CA10005495.

ClinVar aggregate classification (germline): Uncertain significance. Review status: criteria provided, multiple submitters, no conflicts (2 of 4 stars). 2 submissions from 2 submitters: Uncertain significance (2). Last evaluated 2023-07-12.

Allele frequency attached by ClinVar (database versions not stated): gnomAD 0.00003; TOPMed 0.00003; ExAC 0.00008.
gnomAD v4.1: 42 of 1,612,798 alleles (0.0026%); highest among the groups gnomAD compares: Admixed American, 0.023%; no homozygotes.

Submissions (2):

Ambry Genetics
Classification: Uncertain significance. Last evaluated: 2023-07-12. Review status: criteria provided, single submitter. Criteria: Ambry Variant Classification Scheme 2023. Collection method: clinical testing. Allele origin: germline.

Labcorp Genetics (formerly Invitae), Labcorp
Classification: Uncertain significance. Last evaluated: 2022-07-06. Review status: criteria provided, single submitter. Criteria: Invitae Variant Classification Sherloc (09022015). Collection method: clinical testing. Allele origin: germline.
Comment: This sequence change replaces isoleucine, which is neutral and non-polar, with methionine, which is neutral and non-polar, at codon 9 of the IFNAR2 protein (p.Ile9Met). This variant is present in population databases (rs750264158, gnomAD 0.02%). This variant has not been reported in the literature in individuals affected with IFNAR2-related conditions. ClinVar contains an entry for this variant (Variation ID: 1444810). Algorithms developed to predict the effect of missense changes on protein structure and function are either unavailable or do not agree on the potential impact of this missense change (SIFT: "Tolerated"; PolyPhen-2: "Possibly Damaging"; Align-GVGD: "Class C0"). Algorithms developed to predict the effect of sequence changes on RNA splicing suggest that this variant may disrupt the consensus splice site. In summary, the available evidence is currently insufficient to determine the role of this variant in disease. Therefore, it has been classified as a Variant of Uncertain Significance.